The following is an entry in ClinVar:

NM_003873.7(NRP1):c.1011G>A (p.Thr337=)

Gene: NRP1 (neuropilin 1; minus strand). Cytogenetic location: 10p11.22.
Variant type: single nucleotide variant.
Coding change: c.1011G>A on transcript NM_003873.7 (MANE Select); coding-DNA position 1011, G replaced by A.
Protein change: p.Thr337=; no amino-acid change (threonine 337 retained).
Molecular consequence: synonymous variant. On other transcripts: non-coding transcript variant (1).
Genome position (GRCh38, 1-based): chr10:33,226,260, C>T on the plus strand (G>A on the coding strand, the complement: NRP1 is on the minus strand). VCF-style: chr10-33226260-C-T. GRCh37 (hg19) VCF-style: chr10-33515188-C-T.
Other names: NC_000010.10:g.33515188C>T; c.1011G>A, p.Thr337= (NM_001024628.3, NM_001024629.3, NM_001244972.2 and 2 more transcripts).
Identifiers: ClinVar variation 3055196 (VCV003055196.3), dbSNP rs145116269, ClinGen allele CA5466757.

ClinVar aggregate classification (germline): Likely benign (0 of 4 stars; one submission).

Conditions:
NRP1-related disorder. Also called: NRP1-related condition.

Allele frequency attached by ClinVar (database versions not stated): ESP Exome Variant Server 0.00015; 1000 Genomes Project 30x 0.00031; 1000 Genomes Project 0.00040.
gnomAD v4.1: 274 of 1,614,096 alleles (0.017%); highest among the groups gnomAD compares: South Asian, 0.21%; 8 homozygotes.

Submissions (3):

PreventionGenetics, part of Exact Sciences
Classification: Likely benign for NRP1-related condition. Last evaluated: 2022-04-06. Review status: no assertion criteria provided. Collection method: clinical testing. Allele origin: germline.
Comment: This variant is classified as likely benign based on ACMG/AMP sequence variant interpretation guidelines (Richards et al. 2015 PMID: 25741868, with internal and published modifications).

Dr. Peter K. Rogan Lab, Western University
No classification provided (evidence only). Condition: Thyroid cancer, nonmedullary, 1. Review status: no classification provided. Collection method: in vitro. Allele origin: not applicable. Functional consequence: retained intron. Not counted in ClinVar's aggregate classification.

Dr. Peter K. Rogan Lab, Western University
No classification provided (evidence only). Condition: Hepatocellular carcinoma. Review status: no classification provided. Collection method: in vitro. Allele origin: not applicable. Functional consequence: retained intron. Not counted in ClinVar's aggregate classification.